The following is an entry in ClinVar:

NM_000260.4(MYO7A):c.6238-1G>C

Gene: MYO7A (myosin VIIA; plus strand). Cytogenetic location: 11q13.5.
Variant type: single nucleotide variant.
Coding change: c.6238-1G>C on transcript NM_000260.4 (MANE Select); the canonical splice acceptor site of the intron before coding-DNA position 6238, G replaced by C.
Molecular consequence: splice acceptor variant.
Genome position (GRCh38, 1-based): chr11:77,211,820, G>C. VCF-style: chr11-77211820-G-C. GRCh37 (hg19) VCF-style: chr11-76922865-G-C.
Other names: c.6091-1G>C (NM_001369365.1); c.6124-1G>C (NM_001127180.2).
Identifiers: ClinVar variation 1684492 (VCV001684492.3), dbSNP rs1957902751, ClinGen allele CA381936425.

ClinVar aggregate classification (germline): Likely pathogenic (0 of 4 stars; one submission).

Conditions:
Usher syndrome type 1 (USH1). Also called: RETINITIS PIGMENTOSA AND CONGENITAL DEAFNESS. Identifiers: Orphanet 231169, Orphanet 886, MedGen C1568247, MONDO:0010168, OMIM 276900.

Submission:

Refractive Surgery Department, Bright Eye Hospital
Classification: Likely pathogenic for Usher syndrome type 1. Last evaluated: 2022-05-13. Review status: no assertion criteria provided. Collection method: clinical testing. Allele origin: inherited. Affected: yes. Observed: 2 variant alleles, 2 compound heterozygotes.
Comment: The WES identified two mutations in MYO7A gene, c.5648G>A (p.R1883Q, rs111033215) in exon 41 and c.6238-1G>C (accepter splice site mutation in exon 46), in the two affected individuals with Usher syndrome type 1. DNA sequencing results indicated that only one of the two mutations existed in other unaffected family members. For example, I.2 and III.1 only carry the mutation c.5648G>A (p.Arg1883Gln), whereas III.2 and III.3 only carry the mutation c.6238-1G>C. Moreover, the 100 healthy control subjects did not have any of the aforementioned mutations. All of the results proved that the two novel compound heterozygous mutations were associated with Usher syndrome type 1.